The following is an entry in ClinVar:

NM_174936.4(PCSK9):c.97G>A (p.Asp33Asn)

Gene: PCSK9 (proprotein convertase subtilisin/kexin type 9; plus strand). Cytogenetic location: 1p32.3.
Variant type: single nucleotide variant.
Coding change: c.97G>A on transcript NM_174936.4 (MANE Select); coding-DNA position 97, G replaced by A.
Protein change: p.Asp33Asn; replaces aspartic acid 33 with asparagine.
Molecular consequence: missense variant.
Genome position (GRCh38, 1-based): chr1:55,039,934, G>A. VCF-style: chr1-55039934-G-A. GRCh37 (hg19) VCF-style: chr1-55505607-G-A.
Other names: short protein forms D33N.
Identifiers: ClinVar variation 927338 (VCV000927338.15), dbSNP rs917219621, ClinGen allele CA22792017.

ClinVar aggregate classification (germline): Uncertain significance. Review status: criteria provided, multiple submitters, no conflicts (2 of 4 stars). 5 submissions from 5 submitters: Uncertain significance (5). Last evaluated 2026-09-13.

Conditions:
Hypercholesterolemia, autosomal dominant, 3 (FHCL3). Also called: Familial Hypercholesterolemia, Autosomal Dominant, 3; PCSK9-Related Familial Hypercholesterolemia, Autosomal Dominant; Familial hypercholesterolemia 3. Identifiers: MedGen C1863551, MONDO:0011369, OMIM 603776.
Cardiovascular phenotype. Identifiers: MedGen CN230736.
Familial hypercholesterolemia. Also called: Familial hypercholesterolemias; Familial hypercholesterolaemia. Identifiers: MedGen C0020445, MONDO:0005439.

Allele frequency attached by ClinVar (database versions not stated): gnomAD exomes below 0.00001 and 0.00001; TOPMed 0.00002.

Submissions (5):

Ambry Genetics
Classification: Uncertain significance for Cardiovascular phenotype. Last evaluated: 2026-09-13. Review status: criteria provided, single submitter. Criteria: Ambry Variant Classification Scheme 2023. Collection method: clinical testing. Allele origin: germline.
Comment: The p.D33N variant (also known as c.97G>A), located in coding exon 1 of the PCSK9 gene, results from a G to A substitution at nucleotide position 97. The aspartic acid at codon 33 is replaced by asparagine, an amino acid with highly similar properties. This amino acid position is conserved. In addition, this alteration is predicted to be tolerated by in silico analysis. Based on the available evidence, the clinical significance of this variant remains unclear.

Women's Health and Genetics/Laboratory Corporation of America, LabCorp
Classification: Uncertain significance. Last evaluated: 2025-07-24. Review status: criteria provided, single submitter. Criteria: LabCorp Variant Classification Summary - May 2015. Collection method: clinical testing. Allele origin: germline.

All of Us Research Program, National Institutes of Health
Classification: Uncertain significance for Hypercholesterolemia, autosomal dominant, 3. Last evaluated: 2024-08-06. Review status: criteria provided, single submitter. Criteria: ACMG Guidelines, 2015. Collection method: clinical testing. Allele origin: germline. Inheritance: Autosomal dominant inheritance. Observed: 2 variant alleles, 2 heterozygotes.
Comment: This missense variant replaces aspartic acid with asparagine at codon 33 of the PCSK9 protein. Computational prediction tools and conservation analyses suggest that this variant may not impact the protein function. Computational splicing tools suggest that this variant may not impact RNA splicing. To our knowledge, functional assays have not been performed for this variant nor has this variant been reported in individuals affected with familial hypercholesterolemia in the literature. This variant has been identified in 1/183184 chromosomes in the general population by the Genome Aggregation Database (gnomAD). Available evidence is insufficient to determine the role of this variant in disease conclusively. Therefore, this variant is classified as a Variant of Uncertain Significance.

This study involves interpretation of variants in research participants for the purpose of population health screening. Participant phenotype was not available at the time of variant classification. Additional details can be found in publication PMID: 35346344, PMCID: PMC8962531

Color Diagnostics, LLC DBA Color Health
Classification: Uncertain significance for Familial hypercholesterolemia. Last evaluated: 2023-12-05. Review status: criteria provided, single submitter. Criteria: ACMG Guidelines, 2015. Collection method: clinical testing. Allele origin: germline.
Comment: This missense variant replaces aspartic acid with asparagine at codon 33 of the PCSK9 protein. Computational prediction tools and conservation analyses suggest that this variant may not impact the protein function. Computational splicing tools suggest that this variant may not impact RNA splicing. To our knowledge, functional assays have not been performed for this variant nor has this variant been reported in individuals affected with familial hypercholesterolemia in the literature. This variant has been identified in 1/183184 chromosomes in the general population by the Genome Aggregation Database (gnomAD). Available evidence is insufficient to determine the role of this variant in disease conclusively. Therefore, this variant is classified as a Variant of Uncertain Significance.

Labcorp Genetics (formerly Invitae), Labcorp
Classification: Uncertain significance for Hypercholesterolemia, autosomal dominant, 3. Last evaluated: 2023-03-04. Review status: criteria provided, single submitter. Criteria: Invitae Variant Classification Sherloc (09022015). Collection method: clinical testing. Allele origin: germline.
Comment: This sequence change replaces aspartic acid, which is acidic and polar, with asparagine, which is neutral and polar, at codon 33 of the PCSK9 protein (p.Asp33Asn). In summary, the available evidence is currently insufficient to determine the role of this variant in disease. Therefore, it has been classified as a Variant of Uncertain Significance. Advanced modeling of protein sequence and biophysical properties (such as structural, functional, and spatial information, amino acid conservation, physicochemical variation, residue mobility, and thermodynamic stability) performed at Invitae indicates that this missense variant is not expected to disrupt PCSK9 protein function. ClinVar contains an entry for this variant (Variation ID: 927338). This missense change has been observed in individual(s) with clinical features of familial hypercholesterolemia (Invitae). This variant is present in population databases (no rsID available, gnomAD 0.004%).